The following is an entry in ClinVar:

NM_013391.3(DMGDH):c.2535A>G (p.Glu845=)

Genes: DMGDH (dimethylglycine dehydrogenase; minus strand), LOC126807431 (BRD4-independent group 4 enhancer GRCh37_chr5:78293710-78294909; plus strand). Cytogenetic location: 5q14.1.
Variant type: single nucleotide variant.
Coding change: c.2535A>G on transcript NM_013391.3 (MANE Select); coding-DNA position 2535, A replaced by G.
Protein change: p.Glu845=; no amino-acid change (glutamic acid 845 retained).
Molecular consequence: synonymous variant.
Genome position (GRCh38, 1-based): chr5:78,998,148, T>C on the plus strand (A>G on the coding strand, the complement: DMGDH is on the minus strand). VCF-style: chr5-78998148-T-C. GRCh37 (hg19) VCF-style: chr5-78293971-T-C.
Identifiers: ClinVar variation 384203 (VCV000384203.6), dbSNP rs877052, ClinGen allele CA3318401.

ClinVar aggregate classification (germline): Benign. Review status: criteria provided, multiple submitters, no conflicts (2 of 4 stars). 3 submissions from 3 submitters: Benign (2). 1 of the submissions does not count toward it. Last evaluated 2017-06-16.

Conditions:
DMGDH-related disorder. Also called: DMGDH-related condition.

Allele frequency attached by ClinVar (database versions not stated): gnomAD exomes 0.00185; ExAC 0.00233; 1000 Genomes Project 0.00679; gnomAD 0.00689 and 0.00739; 1000 Genomes Project 30x 0.00765; TOPMed 0.00835; ESP Exome Variant Server 0.00861.
gnomAD v4.1: 2,161 of 1,614,196 alleles (0.13%); highest among the groups gnomAD compares: African/African-American, 2.6%; 24 homozygotes.

Submissions (3):

Labcorp Genetics (formerly Invitae), Labcorp
Classification: Benign. Last evaluated: 2017-06-16. Review status: criteria provided, single submitter. Criteria: Invitae Variant Classification Sherloc (09022015). Collection method: clinical testing. Allele origin: germline.

GeneDx
Classification: Benign. Last evaluated: 2016-05-11. Review status: criteria provided, single submitter. Criteria: GeneDx Variant Classification (06012015). Collection method: clinical testing. Allele origin: germline. Affected: yes.
Comment: This variant is considered likely benign or benign based on one or more of the following criteria: it is a conservative change, it occurs at a poorly conserved position in the protein, it is predicted to be benign by multiple in silico algorithms, and/or has population frequency not consistent with disease.

PreventionGenetics, part of Exact Sciences
Classification: Benign for DMGDH-related condition. Last evaluated: 2019-07-14. Review status: no assertion criteria provided. Collection method: clinical testing. Allele origin: germline. Not counted in ClinVar's aggregate classification.
Comment: This variant is classified as benign based on ACMG/AMP sequence variant interpretation guidelines (Richards et al. 2015 PMID: 25741868, with internal and published modifications).